The following is an entry in ClinVar:

ClinVar aggregate classification (germline): Uncertain significance (1 of 4 stars; one submission).

gnomAD v4.1: 24 of 1,543,768 alleles (0.0016%); highest among the groups gnomAD compares: Non-Finnish European, 0.0017%; no homozygotes.

Submission:

Labcorp Genetics (formerly Invitae), Labcorp
Classification: Uncertain significance. Last evaluated: 2025-11-02. Review status: criteria provided, single submitter. Criteria: Invitae Variant Classification Sherloc (09022015). Collection method: clinical testing. Allele origin: germline.
Comment: This sequence change replaces alanine, which is neutral and non-polar, with threonine, which is neutral and polar, at codon 72 of the LAMC3 protein (p.Ala72Thr). This variant is not present in population databases (gnomAD no frequency). This variant has not been reported in the literature in individuals affected with LAMC3-related conditions. An algorithm developed to predict the effect of missense changes on protein structure and function outputs the following: PolyPhen-2: "Benign". The threonine amino acid residue is found in multiple mammalian species, which suggests that this missense change does not adversely affect protein function. In summary, the available evidence is currently insufficient to determine the role of this variant in disease. Therefore, it has been classified as a Variant of Uncertain Significance.

NM_006059.4(LAMC3):c.214G>A (p.Ala72Thr)

Gene: LAMC3 (laminin subunit gamma 3; plus strand). Cytogenetic location: 9q34.12.
Variant type: single nucleotide variant.
Coding change: c.214G>A on transcript NM_006059.4 (MANE Select); coding-DNA position 214, G replaced by A.
Protein change: p.Ala72Thr; replaces alanine 72 with threonine.
Molecular consequence: missense variant.
Genome position (GRCh38, 1-based): chr9:131,009,428, G>A. VCF-style: chr9-131009428-G-A. GRCh37 (hg19) VCF-style: chr9-133884815-G-A.
Other names: short protein forms A72T.
Identifiers: ClinVar variation 4696601 (VCV004696601.1).